The following is an entry in ClinVar:

NM_032888.4(COL27A1):c.4728C>T (p.Leu1576=)

Gene: COL27A1 (collagen type XXVII alpha 1 chain; plus strand). Cytogenetic location: 9q32.
Variant type: single nucleotide variant.
Coding change: c.4728C>T on transcript NM_032888.4 (MANE Select); coding-DNA position 4728, C replaced by T.
Protein change: p.Leu1576=; no amino-acid change (leucine 1576 retained).
Molecular consequence: synonymous variant.
Genome position (GRCh38, 1-based): chr9:114,301,098, C>T. VCF-style: chr9-114301098-C-T. GRCh37 (hg19) VCF-style: chr9-117063378-C-T.
Identifiers: ClinVar variation 774434 (VCV000774434.35), dbSNP rs141655747, ClinGen allele CA5203059.
Genomic context (GRCh38, chr9:114,301,098, plus strand): 5'-AACAAGGACACATGAGCCTTTCTGTCTCCTTTAGGGAAAGGAAGGCATCGTCGGGCCCCT[C>T]GGAATCCTGGGACCTTCGGGACTCCCGGTATGTGTGGGGATTGGACAGGAAGACTCCGGG-3'
Protein context (NP_116277.2, residues 1566-1586): LMGKEGIVGP[Leu1576=]GILGPSGLPG

ClinVar aggregate classification (germline): Likely benign. Review status: criteria provided, multiple submitters, no conflicts (2 of 4 stars). 3 submissions from 3 submitters: Likely benign (2). 1 of the submissions does not count toward it. Last evaluated 2025-06-13.

Conditions:
COL27A1-related disorder. Also called: COL27A1-related condition.

Allele frequency attached by ClinVar (database versions not stated): ExAC 0.00009; gnomAD exomes 0.00010; ESP Exome Variant Server 0.00015; TOPMed 0.00029; gnomAD 0.00030 and 0.00036.
gnomAD v4.1: 104 of 1,613,008 alleles (0.0064%); highest among the groups gnomAD compares: African/African-American, 0.12%; 1 homozygote.

Submissions (3):

Labcorp Genetics (formerly Invitae), Labcorp
Classification: Likely benign. Last evaluated: 2025-06-13. Review status: criteria provided, single submitter. Criteria: Invitae Variant Classification Sherloc (09022015). Collection method: clinical testing. Allele origin: germline.

CeGaT Center for Human Genetics Tuebingen
Classification: Likely benign. Last evaluated: 2023-10-01. Review status: criteria provided, single submitter. Criteria: CeGaT Center For Human Genetics Tuebingen Variant Classification Criteria Version 2. Collection method: clinical testing. Allele origin: germline. Affected: yes. Observed: 1 variant allele.
Comment: COL27A1: BP4, BP7

PreventionGenetics, part of Exact Sciences
Classification: Likely benign for COL27A1-related condition. Last evaluated: 2019-07-30. Review status: no assertion criteria provided. Collection method: clinical testing. Allele origin: germline. Not counted in ClinVar's aggregate classification.
Comment: This variant is classified as likely benign based on ACMG/AMP sequence variant interpretation guidelines (Richards et al. 2015 PMID: 25741868, with internal and published modifications).